The following is an entry in ClinVar:

ClinVar aggregate classification (germline): Likely benign (1 of 4 stars; one submission).

Allele frequency attached by ClinVar (database versions not stated): TOPMed 0.00002; gnomAD 0.00004; ExAC 0.00017; 1000 Genomes Project 30x 0.00094; 1000 Genomes Project 0.00100.
gnomAD v4.1: 141 of 1,613,846 alleles (0.0087%); highest among the groups gnomAD compares: South Asian, 0.13%; 1 homozygote.

Submission:

CeGaT Center for Human Genetics Tuebingen
Classification: Likely benign. Last evaluated: 2023-04-01. Review status: criteria provided, single submitter. Criteria: CeGaT Center For Human Genetics Tuebingen Variant Classification Criteria Version 2. Collection method: clinical testing. Allele origin: germline. Affected: yes. Observed: 1 variant allele.
Comment: CMYA5: BP4, BP7

NM_153610.5(CMYA5):c.4894T>C (p.Leu1632=)

Gene: CMYA5 (cardiomyopathy associated 5; plus strand). Cytogenetic location: 5q14.1.
Variant type: single nucleotide variant.
Coding change: c.4894T>C on transcript NM_153610.5 (MANE Select); coding-DNA position 4894, T replaced by C.
Protein change: p.Leu1632=; no amino-acid change (leucine 1632 retained).
Molecular consequence: synonymous variant.
Genome position (GRCh38, 1-based): chr5:79,733,659, T>C. VCF-style: chr5-79733659-T-C. GRCh37 (hg19) VCF-style: chr5-79029482-T-C.
Identifiers: ClinVar variation 2655559 (VCV002655559.24), dbSNP rs544184565, ClinGen allele CA3322023.